The following is an entry in ClinVar:

NM_014604.4(TAX1BP3):c.356A>G (p.Gln119Arg)

Genes: P2RX5-TAX1BP3 (P2RX5-TAX1BP3 readthrough (NMD candidate); minus strand), TAX1BP3 (Tax1 binding protein 3; minus strand). Cytogenetic location: 17p13.2.
Variant type: single nucleotide variant.
Coding change: c.356A>G on transcript NM_014604.4 (MANE Select); coding-DNA position 356, A replaced by G.
Protein change: p.Gln119Arg; replaces glutamine 119 with arginine.
Molecular consequence: missense variant. On other transcripts: non-coding transcript variant (1).
Genome position (GRCh38, 1-based): chr17:3,663,767, T>C on the plus strand (A>G on the coding strand, the complement: TAX1BP3 is on the minus strand). VCF-style: chr17-3663767-T-C. GRCh37 (hg19) VCF-style: chr17-3567061-T-C.
Other names: c.278A>G, p.Gln93Arg (NM_001204698.2); short protein forms Q119R, Q93R.
Identifiers: ClinVar variation 2730797 (VCV002730797.3), dbSNP rs1200163078, ClinGen allele CA397695620.

ClinVar aggregate classification (germline): Uncertain significance (1 of 4 stars; one submission).

Allele frequency attached by ClinVar (database versions not stated): gnomAD exomes below 0.00001; gnomAD 0.00001.

Submission:

Labcorp Genetics (formerly Invitae), Labcorp
Classification: Uncertain significance. Last evaluated: 2024-10-17. Review status: criteria provided, single submitter. Criteria: Invitae Variant Classification Sherloc (09022015). Collection method: clinical testing. Allele origin: germline.
Comment: This sequence change replaces glutamine, which is neutral and polar, with arginine, which is basic and polar, at codon 119 of the TAX1BP3 protein (p.Gln119Arg). The frequency data for this variant in the population databases is considered unreliable, as metrics indicate poor data quality at this position in the gnomAD database. This variant has not been reported in the literature in individuals affected with TAX1BP3-related conditions. An algorithm developed to predict the effect of missense changes on protein structure and function (PolyPhen-2) suggests that this variant is likely to be tolerated. In summary, the available evidence is currently insufficient to determine the role of this variant in disease. Therefore, it has been classified as a Variant of Uncertain Significance.